The following is an entry in ClinVar:

ClinVar aggregate classification (germline): Likely pathogenic (1 of 4 stars; one submission).

Conditions:
Neurofibromatosis, type 1 (NF1). Also called: VON RECKLINGHAUSEN DISEASE; Neurofibromatosis, type I; Peripheral type neurofibromatosis; NEUROFIBROMATOSIS, TYPE I, SOMATIC. Identifiers: Orphanet 636, MedGen C0027831, MONDO:0018975, OMIM 162200. Disease mechanism: loss of function.

Submission:

Labcorp Genetics (formerly Invitae), Labcorp
Classification: Likely pathogenic for Neurofibromatosis, type 1. Last evaluated: 2023-04-17. Review status: criteria provided, single submitter. Criteria: Invitae Variant Classification Sherloc (09022015). Collection method: clinical testing. Allele origin: germline.
Comment: This variant results in the deletion of part of exon 45 (c.6842_6858+8del) of the NF1 gene. It is expected to disrupt RNA splicing. Variants that disrupt the donor or acceptor splice site typically lead to a loss of protein function (PMID: 16199547), and loss-of-function variants in NF1 are known to be pathogenic (PMID: 10712197, 23913538). This variant is not present in population databases (gnomAD no frequency). This variant has not been reported in the literature in individuals affected with NF1-related conditions. Algorithms developed to predict the effect of sequence changes on RNA splicing suggest that this variant may disrupt the consensus splice site. In summary, the currently available evidence indicates that the variant is pathogenic, but additional data are needed to prove that conclusively. Therefore, this variant has been classified as Likely Pathogenic.

Literature cited by the submitters: PubMed 16199547; PubMed 10712197; PubMed 23913538.

NM_001042492.3(NF1):c.6905_6921+8del

Gene: NF1 (neurofibromin 1; plus strand). Cytogenetic location: 17q11.2.
Variant type: Deletion.
Coding change: c.6905_6921+8del on transcript NM_001042492.3 (MANE Select); coding-DNA position 6905 through 8 bases into the intron after coding-DNA position 6921, 25 bases deleted (AGCCACTTCTTAATAAGGTAATTAC).
Molecular consequence: splice donor variant.
Genome position (GRCh38, 1-based): chr17:31,338,789-31,338,813, AGCCACTTCTTAATAAGGTAATTAC deleted; deleting any 25 consecutive bases within chr17:31,338,783-31,338,813 gives the same sequence; the c. name uses the placement nearest the transcript's 3' end. VCF-style (leftmost placement, unchanged base first): chr17-31338782-AAATTACAGCCACTTCTTAATAAGGT-A. GRCh37 (hg19) VCF-style: chr17-29665800-AAATTACAGCCACTTCTTAATAAGGT-A.
Other names: c.6842_6858+8del (NM_000267.4).
Identifiers: ClinVar variation 2857022 (VCV002857022.3), dbSNP rs2508763076, ClinGen allele CA2739267437.